The following is an entry in ClinVar:

NM_004082.5(DCTN1):c.2318G>T (p.Gly773Val)

Gene: DCTN1 (dynactin subunit 1; minus strand). Cytogenetic location: 2p13.1.
Variant type: single nucleotide variant.
Coding change: c.2318G>T on transcript NM_004082.5 (MANE Select); coding-DNA position 2318, G replaced by T.
Protein change: p.Gly773Val; replaces glycine 773 with valine.
Molecular consequence: missense variant. On other transcripts: non-coding transcript variant (1).
Genome position (GRCh38, 1-based): chr2:74,366,931, C>A on the plus strand (G>T on the coding strand, the complement: DCTN1 is on the minus strand). VCF-style: chr2-74366931-C-A. GRCh37 (hg19) VCF-style: chr2-74594058-C-A.
Other names: c.1916G>T, p.Gly639Val (NM_023019.4, NM_001135041.3); c.2258G>T, p.Gly753Val (NM_001135040.3); c.2207G>T, p.Gly736Val (NM_001190836.2); c.2297G>T, p.Gly766Val (NM_001190837.2); c.2267G>T, p.Gly756Val (NM_001378991.1); c.2249G>T, p.Gly750Val (NM_001378992.1); short protein forms G639V, G736V, G766V, G773V, G753V, G750V, G756V.
Identifiers: ClinVar variation 719761 (VCV000719761.14), dbSNP rs754657052, ClinGen allele CA1721870.

ClinVar aggregate classification (germline): Likely benign. Review status: criteria provided, multiple submitters, no conflicts (2 of 4 stars). 3 submissions from 3 submitters: Likely benign (2). 1 of the submissions does not count toward it. Last evaluated 2025-05-05.

Conditions:
DCTN1-related disorder. Also called: DCTN1-related condition.
Inborn genetic diseases. Identifiers: MedGen C0950123, MeSH D030342.
Amyotrophic lateral sclerosis type 1 (ALS1). Also called: AMYOTROPHIC LATERAL SCLEROSIS 1, FAMILIAL. Identifiers: Orphanet 803, MedGen C1862939, MONDO:0007103, OMIM 105400.
Perry syndrome. Also called: PARKINSONISM WITH ALVEOLAR HYPOVENTILATION AND MENTAL DEPRESSION. Identifiers: Orphanet 178509, MedGen C1868594, MONDO:0008201, OMIM 168605.
Neuronopathy, distal hereditary motor, type 7B. Also called: HMN VIIB; LOWER MOTOR NEURON DISEASE, DYNACTIN TYPE; Distal Hereditary Motor Neuronopathy Type 7B (dHMN7B); NEURONOPATHY, DISTAL HEREDITARY MOTOR, AUTOSOMAL DOMINANT 14; NEURONOPATHY, DISTAL HEREDITARY MOTOR, HARDING TYPE VIIB; NEUROPATHY, DISTAL HEREDITARY MOTOR, HARDING TYPE VIIB. Identifiers: Orphanet 139589, MedGen C1843315, MONDO:0011879, OMIM 607641.

Allele frequency attached by ClinVar (database versions not stated): TOPMed 0.00003; gnomAD 0.00005 and 0.00007; ExAC 0.00019; gnomAD exomes 0.00021.
gnomAD v4.1: 164 of 1,614,182 alleles (0.01%); highest among the groups gnomAD compares: South Asian, 0.13%; no homozygotes.

Submissions (3):

Labcorp Genetics (formerly Invitae), Labcorp
Classification: Likely benign for Amyotrophic lateral sclerosis type 1; Neuronopathy, distal hereditary motor, type 7B; Perry syndrome. Last evaluated: 2025-05-05. Review status: criteria provided, single submitter. Criteria: Invitae Variant Classification Sherloc (09022015). Collection method: clinical testing. Allele origin: germline.

Ambry Genetics
Classification: Likely benign for Inborn genetic diseases. Last evaluated: 2022-01-07. Review status: criteria provided, single submitter. Criteria: Ambry Variant Classification Scheme 2023. Collection method: clinical testing. Allele origin: germline.

PreventionGenetics, part of Exact Sciences
Classification: Likely benign for DCTN1-related condition. Last evaluated: 2023-11-15. Review status: no assertion criteria provided. Collection method: clinical testing. Allele origin: germline. Not counted in ClinVar's aggregate classification.
Comment: This variant is classified as likely benign based on ACMG/AMP sequence variant interpretation guidelines (Richards et al. 2015 PMID: 25741868, with internal and published modifications).